The following is an entry in ClinVar:

NM_001159699.2(FHL1):c.223C>T (p.Arg75Cys)

Gene: FHL1 (four and a half LIM domains 1; plus strand). Cytogenetic location: Xq26.3.
Variant type: single nucleotide variant.
Coding change: c.223C>T on transcript NM_001159699.2 (MANE Select); coding-DNA position 223, C replaced by T.
Protein change: p.Arg75Cys; replaces arginine 75 with cysteine.
Molecular consequence: missense variant. On other transcripts: non-coding transcript variant (1).
Genome position (GRCh38, 1-based): chrX:136,207,034, C>T. VCF-style: chrX-136207034-C-T. GRCh37 (hg19) VCF-style: chrX-135289193-C-T.
Other names: c.175C>T, p.Arg59Cys (NM_001159700.2, NM_001159702.3, NM_001159703.2 and 9 more transcripts); c.262C>T, p.Arg88Cys (NM_001159701.2); c.223C>T, p.Arg75Cys (NM_001330659.2); short protein forms R59C, R75C, R88C.
Identifiers: ClinVar variation 537352 (VCV000537352.14), dbSNP rs1343871742, ClinGen allele CA414607920.

ClinVar aggregate classification (germline): Uncertain significance. Review status: criteria provided, multiple submitters, no conflicts (2 of 4 stars). 4 submissions from 4 submitters: Uncertain significance (4). Last evaluated 2026-06-09.

Conditions:
X-linked myopathy with postural muscle atrophy. Also called: FHL1-Related Emery-Dreifuss Muscular Dystrophy, X-Linked. Identifiers: Orphanet 178461, MedGen C2678055, MONDO:0010401, OMIM 300696.
Cardiovascular phenotype. Identifiers: MedGen CN230736.

Allele frequency attached by ClinVar (database versions not stated): TOPMed 0.00001.
gnomAD v4.1: 6 of 1,211,233 alleles (0.0005%); highest among the groups gnomAD compares: South Asian, 0.0035%; no homozygotes.

Submissions (4):

Ambry Genetics
Classification: Uncertain significance for Cardiovascular phenotype. Last evaluated: 2026-06-09. Review status: criteria provided, single submitter. Criteria: Ambry Variant Classification Scheme 2023. Collection method: clinical testing. Allele origin: germline.

Labcorp Genetics (formerly Invitae), Labcorp
Classification: Uncertain significance for X-linked myopathy with postural muscle atrophy. Last evaluated: 2025-10-06. Review status: criteria provided, single submitter. Criteria: Invitae Variant Classification Sherloc (09022015). Collection method: clinical testing. Allele origin: germline.
Comment: This sequence change replaces arginine, which is basic and polar, with cysteine, which is neutral and slightly polar, at codon 59 of the FHL1 protein (p.Arg59Cys). This variant is not present in population databases (gnomAD no frequency). This variant has not been reported in the literature in individuals affected with FHL1-related conditions. ClinVar contains an entry for this variant (Variation ID: 537352). An algorithm developed to predict the effect of missense changes on protein structure and function (PolyPhen-2) suggests that this variant is likely to be tolerated. In summary, the available evidence is currently insufficient to determine the role of this variant in disease. Therefore, it has been classified as a Variant of Uncertain Significance.

Blueprint Genetics
Classification: Uncertain significance. Last evaluated: 2020-01-23. Review status: criteria provided, single submitter. Criteria: ACMG Guidelines, 2015. Collection method: clinical testing. Allele origin: germline.

Revvity Omics, Revvity
Classification: Uncertain significance. Last evaluated: 2019-08-29. Review status: criteria provided, single submitter. Criteria: ACMG Guidelines, 2015. Collection method: clinical testing. Allele origin: germline.